The following is an entry in ClinVar:

NM_021939.4(FKBP10):c.310C>T (p.Arg104Ter)

Gene: FKBP10 (FKBP prolyl isomerase 10; plus strand). Cytogenetic location: 17q21.2.
Variant type: single nucleotide variant.
Coding change: c.310C>T on transcript NM_021939.4 (MANE Select); coding-DNA position 310, C replaced by T.
Protein change: p.Arg104Ter; replaces arginine 104 with a stop codon.
Molecular consequence: nonsense.
Genome position (GRCh38, 1-based): chr17:41,817,122, C>T. VCF-style: chr17-41817122-C-T. GRCh37 (hg19) VCF-style: chr17-39973374-C-T.
Other names: short protein forms R104*.
Identifiers: ClinVar variation 2736585 (VCV002736585.3), dbSNP rs72835683, ClinGen allele CA8566188.
Genomic context (GRCh38, chr17:41,817,122, plus strand): 5'-GATCGCAACACCTTGGTGGCCATCGTGGTGGGTGTGGGGCGCCTCATCACTGGCATGGAC[C>T]GAGGCCTCATGGGCATGTGTGTCAACGAGCGGCGACGCCTCATTGTGCCTCCCCACCTGG-3'

ClinVar aggregate classification (germline): Pathogenic (1 of 4 stars; one submission).

Allele frequency attached by ClinVar (database versions not stated): ExAC 0.00003; TOPMed below 0.00001; gnomAD 0.00002; 1000 Genomes Project 30x 0.00016; gnomAD exomes 0.00001.
gnomAD v4.1: 20 of 1,614,096 alleles (0.0012%); highest among the groups gnomAD compares: Non-Finnish European, 0.0014%; no homozygotes.

Submission:

Labcorp Genetics (formerly Invitae), Labcorp
Classification: Pathogenic. Last evaluated: 2026-01-26. Review status: criteria provided, single submitter. Criteria: Invitae Variant Classification Sherloc (09022015). Collection method: clinical testing. Allele origin: germline.
Comment: This sequence change creates a premature translational stop signal (p.Arg104*) in the FKBP10 gene. It is expected to result in an absent or disrupted protein product. Loss-of-function variants in FKBP10 are known to be pathogenic (PMID: 22689593, 22949511). This variant is present in population databases (rs72835683, gnomAD 0.007%). This premature translational stop signal has been observed in individual(s) with osteogenesis imperfecta (PMID: 27509835, 28116328). ClinVar contains an entry for this variant (Variation ID: 2736585). For these reasons, this variant has been classified as Pathogenic.

Literature cited by the submitters: PubMed 22689593; PubMed 22949511; PubMed 27509835; PubMed 28116328.